The following is an entry in ClinVar:

ClinVar aggregate classification (germline): Likely benign. Review status: criteria provided, multiple submitters, no conflicts (2 of 4 stars). 4 submissions from 4 submitters: Likely benign (4). Last evaluated 2026-06-01.

Conditions:
Familial thoracic aortic aneurysm and aortic dissection (TAAD). Also called: Thoracic aortic aneurysms and dissections. Identifiers: Orphanet 91387, MedGen C4707243, MONDO:0019625.

Allele frequency attached by ClinVar (database versions not stated): gnomAD exomes below 0.00001; TOPMed below 0.00001; gnomAD 0.00002; ExAC 0.00003; ESP Exome Variant Server 0.00008.
gnomAD v4.1: 7 of 1,613,784 alleles (0.00043%); highest among the groups gnomAD compares: African/African-American, 0.004%; no homozygotes.

Submissions (4):

CeGaT Center for Human Genetics Tuebingen
Classification: Likely benign. Last evaluated: 2026-06-01. Review status: criteria provided, single submitter. Criteria: CeGaT Center For Human Genetics Tuebingen Variant Classification Criteria Version 2. Collection method: clinical testing. Allele origin: germline. Affected: yes. Observed: 1 variant allele.
Comment: MYH11: BP4, BP7

All of Us Research Program, National Institutes of Health
Classification: Likely benign for Familial thoracic aortic aneurysm and aortic dissection. Last evaluated: 2023-11-02. Review status: criteria provided, single submitter. Criteria: ACMG Guidelines, 2015. Collection method: clinical testing. Allele origin: germline. Inheritance: Autosomal dominant inheritance. Observed: 3 variant alleles, 3 heterozygotes.
Comment: This study involves interpretation of variants in research participants for the purpose of population health screening. Participant phenotype was not available at the time of variant classification. Additional details can be found in publication PMID: 35346344, PMCID: PMC8962531

Ambry Genetics
Classification: Likely benign for Familial thoracic aortic aneurysm and aortic dissection. Last evaluated: 2022-07-19. Review status: criteria provided, single submitter. Criteria: Ambry Variant Classification Scheme 2023. Collection method: clinical testing. Allele origin: germline.

Color Diagnostics, LLC DBA Color Health
Classification: Likely benign for Familial thoracic aortic aneurysm and aortic dissection. Last evaluated: 2018-10-30. Review status: criteria provided, single submitter. Criteria: ACMG Guidelines, 2015. Collection method: clinical testing. Allele origin: germline.

NM_002474.3(MYH11):c.4128G>A (p.Ser1376=)

Genes: MYH11 (myosin heavy chain 11; minus strand), NDE1 (nudE neurodevelopment protein 1; plus strand). Cytogenetic location: 16p13.11.
Variant type: single nucleotide variant.
Coding change: c.4128G>A on transcript NM_002474.3 (MANE Select); coding-DNA position 4128, G replaced by A.
Protein change: p.Ser1376=; no amino-acid change (serine 1376 retained).
Molecular consequence: synonymous variant. On other transcripts: 3 prime UTR variant (2).
Genome position (GRCh38, 1-based): chr16:15,724,398, C>T on the plus strand (G>A on the coding strand, the complement: MYH11 is on the minus strand). VCF-style: chr16-15724398-C-T. GRCh37 (hg19) VCF-style: chr16-15818255-C-T.
Other names: c.4149G>A, p.Ser1383= (NM_001040113.2, NM_001040114.2); c.4128G>A, p.Ser1376= (NM_022844.3); c.*147C>T (NM_001143979.2, NM_017668.3).
Identifiers: ClinVar variation 921876 (VCV000921876.7), dbSNP rs367595632, ClinGen allele CA7921752.